The following is an entry in ClinVar:

NM_005591.4(MRE11):c.154-1G>A

Gene: MRE11 (MRE11 double strand break repair nuclease; minus strand). Cytogenetic location: 11q21.
Variant type: single nucleotide variant.
Coding change: c.154-1G>A on transcript NM_005591.4 (MANE Select); the canonical splice acceptor site of the intron before coding-DNA position 154, G replaced by A.
Molecular consequence: splice acceptor variant.
Genome position (GRCh38, 1-based): chr11:94,486,085, C>T on the plus strand (G>A on the coding strand, the complement: MRE11 is on the minus strand). VCF-style: chr11-94486085-C-T. GRCh37 (hg19) VCF-style: chr11-94219251-C-T.
Other names: c.154-1G>A (NM_001330347.2, NM_005590.4).
Identifiers: ClinVar variation 481780 (VCV000481780.5), dbSNP rs1555017290, ClinGen allele CA382380011.

ClinVar aggregate classification (germline): Likely pathogenic (1 of 4 stars; one submission).

Conditions:
Hereditary cancer-predisposing syndrome. Also called: Neoplastic Syndromes, Hereditary; Tumor predisposition; Hereditary Cancer Syndrome; Hereditary neoplastic syndrome. Identifiers: Orphanet 140162, MedGen C0027672, MeSH D009386, MONDO:0015356.

Submission:

Ambry Genetics
Classification: Likely pathogenic for Hereditary cancer-predisposing syndrome. Last evaluated: 2017-02-10. Review status: criteria provided, single submitter. Criteria: Ambry Variant Classification Scheme 2023. Collection method: clinical testing. Allele origin: germline.
Comment: The c.154-1G>A intronic variant results from a G to A substitution one nucleotide upstream from coding exon 3 of the MRE11A gene. This nucleotide position is highly conserved in available vertebrate species. Using the BDGP and ESEfinder splice site prediction tools, this alteration is predicted to abolish the native splice acceptor site; however, direct evidence is unavailable. Alterations that disrupt the canonical splice site are expected to cause aberrant splicing, resulting in an abnormal protein or a transcript that is subject to nonsense-mediated mRNA decay. As such, this alteration is classified as likely pathogenic.